The following is an entry in ClinVar:

NM_000053.4(ATP7B):c.2159A>G (p.Lys720Arg)

Gene: ATP7B (ATPase copper transporting beta; minus strand). Cytogenetic location: 13q14.3.
Variant type: single nucleotide variant.
Coding change: c.2159A>G on transcript NM_000053.4 (MANE Select); coding-DNA position 2159, A replaced by G.
Protein change: p.Lys720Arg; replaces lysine 720 with arginine.
Molecular consequence: missense variant. On other transcripts: intron variant (20).
Genome position (GRCh38, 1-based): chr13:51,958,507, T>C on the plus strand (A>G on the coding strand, the complement: ATP7B is on the minus strand). VCF-style: chr13-51958507-T-C. GRCh37 (hg19) VCF-style: chr13-52532643-T-C.
Other names: c.2122-107A>G (NM_001406520.1, NM_001406537.1, NM_001406521.1 and 1 more transcripts); c.1774-900A>G (NM_001406544.1); c.2026-900A>G (NM_001406536.1); c.2026-107A>G (NM_001406530.1); c.1826A>G, p.Lys609Arg (NM_001243182.2); c.1907A>G, p.Lys636Arg (NM_001330579.2, NM_001406531.1, NM_001406532.1 and 1 more transcripts); c.2159A>G, p.Lys720Arg (NM_001406511.1, NM_001406512.1, NM_001406513.1 and 7 more transcripts); c.2126A>G, p.Lys709Arg (NM_001406514.1); and 8 more; short protein forms K577R, K604R, K609R, K636R, K688R, K709R, K720R.
Identifiers: ClinVar variation 3069386 (VCV003069386.2), dbSNP rs758741518, ClinGen allele CA6989097.

ClinVar aggregate classification (germline): Uncertain significance. Review status: criteria provided, multiple submitters, no conflicts (2 of 4 stars). 2 submissions from 2 submitters: Uncertain significance (2). Last evaluated 2024-03-06.

Conditions:
Wilson disease (WND). Also called: Wilson's disease. Identifiers: Orphanet 905, MedGen C0019202, MONDO:0010200, OMIM 277900. Disease mechanism: loss of function.

gnomAD v4.1: 5 of 1,614,082 alleles (0.00031%); highest among the groups gnomAD compares: South Asian, 0.0011%; no homozygotes.

Submissions (2):

Color Diagnostics, LLC DBA Color Health
Classification: Uncertain significance for Wilson disease. Last evaluated: 2024-03-06. Review status: criteria provided, single submitter. Criteria: ACMG Guidelines, 2015. Collection method: clinical testing. Allele origin: germline.
Comment: This missense variant replaces lysine with arginine at codon 720 of the ATP7B protein. Computational prediction suggests that this variant may not impact protein structure and function. To our knowledge, functional studies have not been reported for this variant. This variant has not been reported in individuals affected with Wilson disease in the literature. This variant has been identified in 1/249512 chromosomes in the general population by the Genome Aggregation Database (gnomAD). The available evidence is insufficient to determine the role of this variant in disease conclusively. Therefore, this variant is classified as a Variant of Uncertain Significance.

All of Us Research Program, National Institutes of Health
Classification: Uncertain significance for Wilson disease. Last evaluated: 2023-12-13. Review status: criteria provided, single submitter. Criteria: ACMG Guidelines, 2015. Collection method: clinical testing. Allele origin: germline. Inheritance: Autosomal recessive inheritance. Observed: 2 variant alleles, 2 heterozygotes.
Comment: This missense variant replaces lysine with arginine at codon 720 of the ATP7B protein. Computational prediction suggests that this variant may not impact protein structure and function (internally defined REVEL score threshold <= 0.5, PMID: 27666373). To our knowledge, functional studies have not been reported for this variant. This variant has not been reported in individuals affected with Wilson disease in the literature. This variant has been identified in 1/249512 chromosomes in the general population by the Genome Aggregation Database (gnomAD). The available evidence is insufficient to determine the role of this variant in disease conclusively. Therefore, this variant is classified as a Variant of Uncertain Significance.

This study involves interpretation of variants in research participants for the purpose of population health screening. Participant phenotype was not available at the time of variant classification. Additional details can be found in publication PMID: 35346344, PMCID: PMC8962531